The following is an entry in ClinVar:

NM_015512.5(DNAH1):c.2290T>G (p.Ser764Ala)

Gene: DNAH1 (dynein axonemal heavy chain 1; plus strand). Cytogenetic location: 3p21.1.
Variant type: single nucleotide variant.
Coding change: c.2290T>G on transcript NM_015512.5 (MANE Select); coding-DNA position 2290, T replaced by G.
Protein change: p.Ser764Ala; replaces serine 764 with alanine.
Molecular consequence: missense variant.
Genome position (GRCh38, 1-based): chr3:52,349,071, T>G. VCF-style: chr3-52349071-T-G. GRCh37 (hg19) VCF-style: chr3-52383087-T-G.
Other names: short protein forms S764A.
Identifiers: ClinVar variation 2092704 (VCV002092704.4), dbSNP rs2471178128, ClinGen allele CA353100013.

ClinVar aggregate classification (germline): Uncertain significance (1 of 4 stars; one submission).

Conditions:
Spermatogenic failure 18. Identifiers: MedGen C4539783, MONDO:0054615, OMIM 617576.
Ciliary dyskinesia, primary, 37 (CILD37). Also called: CILIARY DYSKINESIA, PRIMARY, 37, WITH OR WITHOUT SITUS INVERSUS. Identifiers: MedGen C4539798, MONDO:0033204, OMIM 617577.

Submission:

Labcorp Genetics (formerly Invitae), Labcorp
Classification: Uncertain significance for Ciliary dyskinesia, primary, 37; Spermatogenic failure 18. Last evaluated: 2022-02-04. Review status: criteria provided, single submitter. Criteria: Invitae Variant Classification Sherloc (09022015). Collection method: clinical testing. Allele origin: germline.
Comment: In summary, the available evidence is currently insufficient to determine the role of this variant in disease. Therefore, it has been classified as a Variant of Uncertain Significance. Algorithms developed to predict the effect of missense changes on protein structure and function output the following: SIFT: "Tolerated"; PolyPhen-2: "Benign"; Align-GVGD: "Class C0". The alanine amino acid residue is found in multiple mammalian species, which suggests that this missense change does not adversely affect protein function. This variant has not been reported in the literature in individuals affected with DNAH1-related conditions. This variant is not present in population databases (gnomAD no frequency). This sequence change replaces serine, which is neutral and polar, with alanine, which is neutral and non-polar, at codon 764 of the DNAH1 protein (p.Ser764Ala).